The following is an entry in ClinVar:

NM_006892.4(DNMT3B):c.684C>T (p.Leu228=)

Gene: DNMT3B (DNA methyltransferase 3 beta; plus strand). Cytogenetic location: 20q11.21.
Variant type: single nucleotide variant.
Coding change: c.684C>T on transcript NM_006892.4 (MANE Select); coding-DNA position 684, C replaced by T.
Protein change: p.Leu228=; no amino-acid change (leucine 228 retained).
Molecular consequence: synonymous variant.
Genome position (GRCh38, 1-based): chr20:32,788,883, C>T. VCF-style: chr20-32788883-C-T. GRCh37 (hg19) VCF-style: chr20-31376689-C-T.
Other names: c.558C>T, p.Leu186= (NM_001207055.2); c.456C>T, p.Leu152= (NM_001207056.2); c.684C>T, p.Leu228= (NM_175848.2, NM_175849.2); c.720C>T, p.Leu240= (NM_175850.3).
Identifiers: ClinVar variation 751570 (VCV000751570.39), dbSNP rs373811098, ClinGen allele CA9810291.

ClinVar aggregate classification (germline): Conflicting classifications of pathogenicity. Review status: criteria provided, conflicting classifications (1 of 4 stars). 5 submissions from 5 submitters: Uncertain significance (1); Likely benign (3). 1 of the submissions does not count toward it. Last evaluated 2025-12-04.

Conditions:
Centromeric instability of chromosomes 1,9 and 16 and immunodeficiency (ICF1). Also called: Immunodeficiency-centromeric instability-facial anomalies; IMMUNE DEFICIENCY, VARIABLE, WITH CENTROMERIC INSTABILITY OF CHROMOSOMES 1, 9, AND 16; IMMUNODEFICIENCY SYNDROME, VARIABLE; CENTROMERIC INSTABILITY, IMMUNODEFICIENCY SYNDROME. Identifiers: Orphanet 2268, MedGen C0398788, MONDO:0000133.
Immunodeficiency-centromeric instability-facial anomalies syndrome 1 (ICF1). Identifiers: Orphanet 2268, MedGen C4551557, MONDO:0009454, OMIM 242860.
DNMT3B-related disorder. Also called: DNMT3B-related condition.

Allele frequency attached by ClinVar (database versions not stated): gnomAD 0.00003 and 0.00004; gnomAD exomes 0.00003 and 0.00007; TOPMed 0.00003; ExAC 0.00004; ESP Exome Variant Server 0.00008.
gnomAD v4.1: 111 of 1,613,686 alleles (0.0069%); highest among the groups gnomAD compares: Middle Eastern, 0.066%; no homozygotes.

Submissions (5):

Labcorp Genetics (formerly Invitae), Labcorp
Classification: Likely benign for Centromeric instability of chromosomes 1,9 and 16 and immunodeficiency. Last evaluated: 2025-12-04. Review status: criteria provided, single submitter. Criteria: Invitae Variant Classification Sherloc (09022015). Collection method: clinical testing. Allele origin: germline.

CeGaT Center for Human Genetics Tuebingen
Classification: Likely benign. Last evaluated: 2023-04-01. Review status: criteria provided, single submitter. Criteria: CeGaT Center For Human Genetics Tuebingen Variant Classification Criteria Version 2. Collection method: clinical testing. Allele origin: germline. Affected: yes. Observed: 1 variant allele.
Comment: DNMT3B: BP4, BP7

Illumina Laboratory Services, Illumina
Classification: Uncertain significance for Immunodeficiency-centromeric instability-facial anomalies syndrome 1. Last evaluated: 2018-01-12. Review status: criteria provided, single submitter. Criteria: ICSL Variant Classification Criteria 13 December 2019. Collection method: clinical testing. Allele origin: germline.

Genetic Services Laboratory, University of Chicago
Classification: Likely benign. Last evaluated: 2017-09-18. Review status: criteria provided, single submitter. Criteria: ACMG Guidelines, 2015. Collection method: clinical testing. Allele origin: germline. Affected: no.

PreventionGenetics, part of Exact Sciences
Classification: Likely benign for DNMT3B-related condition. Last evaluated: 2024-01-11. Review status: no assertion criteria provided. Collection method: clinical testing. Allele origin: germline. Not counted in ClinVar's aggregate classification.
Comment: This variant is classified as likely benign based on ACMG/AMP sequence variant interpretation guidelines (Richards et al. 2015 PMID: 25741868, with internal and published modifications).